The following is an entry in ClinVar:

NM_025114.4(CEP290):c.1564A>C (p.Asn522His)

Gene: CEP290 (centrosomal protein 290; minus strand). Cytogenetic location: 12q21.32.
Variant type: single nucleotide variant.
Coding change: c.1564A>C on transcript NM_025114.4 (MANE Select); coding-DNA position 1564, A replaced by C.
Protein change: p.Asn522His; replaces asparagine 522 with histidine.
Molecular consequence: missense variant.
Genome position (GRCh38, 1-based): chr12:88,118,702, T>G on the plus strand (A>C on the coding strand, the complement: CEP290 is on the minus strand). VCF-style: chr12-88118702-T-G. GRCh37 (hg19) VCF-style: chr12-88512479-T-G.
Other names: short protein forms N522H.
Identifiers: ClinVar variation 1716994 (VCV001716994.6), dbSNP rs2500958196, ClinGen allele CA385979399.
Genomic context (GRCh38, chr12:88,118,702, plus strand): 5'-CCTCTTTCAAAAGAATCTGGTTTTCAGCTCTGTACTGCTGCTGTTTTAAGTGTTTGCTAT[T>G]TCTAAATTCAGTTAAATCAATCATTGTCTTTGGTTCAAGGCCTACAATAGAAAGCAATAT-3'
Protein context (NP_079390.3, residues 512-532): KTMIDLTEFR[Asn522His]SKHLKQQQYR

ClinVar aggregate classification (germline): Uncertain significance (1 of 4 stars; one submission).

Conditions:
Nephronophthisis. Also called: Juvenile Nephronophthisis. Identifiers: Orphanet 655, MedGen C0687120, MONDO:0019005, HP:0000090.
Meckel-Gruber syndrome. Also called: DYSENCEPHALIA SPLANCHNOCYSTICA; GRUBER SYNDROME; Dysencephalia splachnocystica. Identifiers: Orphanet 564, MedGen C0265215, MONDO:0018921.
Joubert syndrome. Also called: CEREBELLOPARENCHYMAL DISORDER IV; JOUBERT-BOLTSHAUSER SYNDROME; Familial aplasia of the vermis. Identifiers: Orphanet 475, MedGen C5979921, MONDO:0018772.

Submission:

Labcorp Genetics (formerly Invitae), Labcorp
Classification: Uncertain significance for Joubert syndrome; Meckel-Gruber syndrome; Nephronophthisis. Last evaluated: 2022-07-22. Review status: criteria provided, single submitter. Criteria: Invitae Variant Classification Sherloc (09022015). Collection method: clinical testing. Allele origin: germline.
Comment: This variant has not been reported in the literature in individuals affected with CEP290-related conditions. In summary, the available evidence is currently insufficient to determine the role of this variant in disease. Therefore, it has been classified as a Variant of Uncertain Significance. Algorithms developed to predict the effect of missense changes on protein structure and function are either unavailable or do not agree on the potential impact of this missense change (SIFT: "Deleterious"; PolyPhen-2: "Possibly Damaging"; Align-GVGD: "Class C0"). This variant is not present in population databases (gnomAD no frequency). This sequence change replaces asparagine, which is neutral and polar, with histidine, which is basic and polar, at codon 522 of the CEP290 protein (p.Asn522His).